The following is an entry in ClinVar:

ClinVar aggregate classification (germline): Conflicting classifications of pathogenicity. Review status: criteria provided, conflicting classifications (1 of 4 stars). 3 submissions from 3 submitters: Uncertain significance (2); Likely benign (1). Last evaluated 2025-01-17.

Conditions:
Hereditary cancer-predisposing syndrome. Also called: Hereditary neoplastic syndrome; Tumor predisposition; Neoplastic Syndromes, Hereditary; Hereditary Cancer Syndrome. Identifiers: Orphanet 140162, MedGen C0027672, MeSH D009386, MONDO:0015356.
Hereditary breast ovarian cancer syndrome. Also called: Hereditary breast and ovarian cancer; Breast and ovarian cancer; BRCA1- and BRCA2-Associated Hereditary Breast and Ovarian Cancer; Hereditary breast and/or ovarian cancer syndrome; Hereditary breast and ovarian cancer syndrome; Hereditary breast and ovarian cancer syndrome (HBOC). Identifiers: Orphanet 145, MedGen C0677776, MeSH D061325, MONDO:0003582. Disease mechanism: loss of function.

Allele frequency attached by ClinVar (database versions not stated): gnomAD exomes below 0.00001.
gnomAD v4.1: 1 of 1,614,064 alleles (0.000062%); highest among the groups gnomAD compares: South Asian, 0.0011%; no homozygotes.

Submissions (3):

Ambry Genetics
Classification: Uncertain significance for Hereditary cancer-predisposing syndrome. Last evaluated: 2025-01-17. Review status: criteria provided, single submitter. Criteria: Ambry Variant Classification Scheme 2023. Collection method: clinical testing. Allele origin: germline.
Comment: The p.G561E variant (also known as c.1682G>A), located in coding exon 9 of the BRCA2 gene, results from a G to A substitution at nucleotide position 1682. The glycine at codon 561 is replaced by glutamic acid, an amino acid with similar properties. This amino acid position is conserved. In addition, this alteration is predicted to be tolerated by in silico analysis. Based on the available evidence, the clinical significance of this variant remains unclear.

University of Washington Department of Laboratory Medicine, University of Washington
Classification: Likely benign for Hereditary cancer-predisposing syndrome. Last evaluated: 2023-03-23. Review status: criteria provided, single submitter. Criteria: Dines et al. (Genet Med. 2020). Collection method: curation. Allele origin: germline.
Comment: Missense variant in a coldspot region where missense variants are very unlikely to be pathogenic (PMID:31911673).

BRCA2 exon 10 coldspot. Reclassification based on statistical prior probability.

Labcorp Genetics (formerly Invitae), Labcorp
Classification: Uncertain significance for Hereditary breast ovarian cancer syndrome. Last evaluated: 2021-08-13. Review status: criteria provided, single submitter. Criteria: Invitae Variant Classification Sherloc (09022015). Collection method: clinical testing. Allele origin: germline.

NM_000059.4(BRCA2):c.1682G>A (p.Gly561Glu)

Gene: BRCA2 (BRCA2 DNA repair associated; plus strand). Cytogenetic location: 13q13.1.
Variant type: single nucleotide variant.
Coding change: c.1682G>A on transcript NM_000059.4 (MANE Select); coding-DNA position 1682, G replaced by A.
Protein change: p.Gly561Glu; replaces glycine 561 with glutamic acid.
Molecular consequence: missense variant.
Genome position (GRCh38, 1-based): chr13:32,333,160, G>A. VCF-style: chr13-32333160-G-A. GRCh37 (hg19) VCF-style: chr13-32907297-G-A.
Other names: c.1682G>A (NM_000059.3); short protein forms G561E.
Identifiers: ClinVar variation 1506163 (VCV001506163.6), dbSNP rs1593893593, ClinGen allele CA387765146.